The following is an entry in ClinVar:

NM_000368.5(TSC1):c.2854A>G (p.Lys952Glu)

Gene: TSC1 (TSC complex subunit 1; minus strand). Cytogenetic location: 9q34.13.
Variant type: single nucleotide variant.
Coding change: c.2854A>G on transcript NM_000368.5 (MANE Select); coding-DNA position 2854, A replaced by G.
Protein change: p.Lys952Glu; replaces lysine 952 with glutamic acid.
Molecular consequence: missense variant.
Genome position (GRCh38, 1-based): chr9:132,897,305, T>C on the plus strand (A>G on the coding strand, the complement: TSC1 is on the minus strand). VCF-style: chr9-132897305-T-C. GRCh37 (hg19) VCF-style: chr9-135772692-T-C.
Other names: c.2812A>G, p.Lys938Glu (NM_001406607.1, NM_001406605.1, NM_001406606.1); c.2809A>G, p.Lys937Glu (NM_001406608.1, NM_001406609.1); c.2701A>G, p.Lys901Glu (NM_001406610.1, NM_001162427.2); c.2698A>G, p.Lys900Glu (NM_001406611.1, NM_001406612.1); c.2656A>G, p.Lys886Glu (NM_001406613.1); c.2491A>G, p.Lys831Glu (NM_001406614.1, NM_001406615.1, NM_001406616.1 and 4 more transcripts); c.1903A>G, p.Lys635Glu (NM_001406626.1); c.1900A>G, p.Lys634Glu (NM_001406627.1, NM_001406628.1); and 8 more; short protein forms K816E, K901E, K946E, K951E, K952E, K635E, K817E, K830E.
Identifiers: ClinVar variation 1796870 (VCV001796870.6), dbSNP rs2538481133, ClinGen allele CA375368863.

ClinVar aggregate classification (germline): Uncertain significance. Review status: criteria provided, multiple submitters, no conflicts (2 of 4 stars). 3 submissions from 3 submitters: Uncertain significance (3). Last evaluated 2025-06-23.

Conditions:
Hereditary cancer-predisposing syndrome. Also called: Neoplastic Syndromes, Hereditary; Tumor predisposition; Hereditary neoplastic syndrome; Hereditary Cancer Syndrome. Identifiers: Orphanet 140162, MedGen C0027672, MeSH D009386, MONDO:0015356.
Tuberous sclerosis syndrome (TSC). Also called: Tuberous sclerosis; Tuberous Sclerosis Complex. Identifiers: Orphanet 805, MedGen C0041341, MONDO:0001734.
Tuberous sclerosis 1 (TSC1). Identifiers: Orphanet 805, MedGen C1854465, MONDO:0008612, OMIM 191100.

Allele frequency attached by ClinVar (database versions not stated): gnomAD exomes below 0.00001.
gnomAD v4.1: 2 of 1,614,256 alleles (0.00012%); highest among the groups gnomAD compares: South Asian, 0.0022%; no homozygotes.

Submissions (3):

Labcorp Genetics (formerly Invitae), Labcorp
Classification: Uncertain significance for Tuberous sclerosis 1. Last evaluated: 2025-06-23. Review status: criteria provided, single submitter. Criteria: Invitae Variant Classification Sherloc (09022015). Collection method: clinical testing. Allele origin: germline.
Comment: This sequence change replaces lysine, which is basic and polar, with glutamic acid, which is acidic and polar, at codon 952 of the TSC1 protein (p.Lys952Glu). This variant is not present in population databases (gnomAD no frequency). This variant has not been reported in the literature in individuals affected with TSC1-related conditions. ClinVar contains an entry for this variant (Variation ID: 1796870). Invitae Evidence Modeling of protein sequence and biophysical properties (such as structural, functional, and spatial information, amino acid conservation, physicochemical variation, residue mobility, and thermodynamic stability) indicates that this missense variant is not expected to disrupt TSC1 protein function with a negative predictive value of 95%. In summary, the available evidence is currently insufficient to determine the role of this variant in disease. Therefore, it has been classified as a Variant of Uncertain Significance.

Color Diagnostics, LLC DBA Color Health
Classification: Uncertain significance for Tuberous sclerosis syndrome. Last evaluated: 2025-06-09. Review status: criteria provided, single submitter. Criteria: ACMG Guidelines, 2015. Collection method: clinical testing. Allele origin: germline.
Comment: This missense variant replaces lysine with glutamic acid at codon 952 of the TSC1 protein. Computational prediction suggests that this variant may not impact protein structure and function. To our knowledge, functional studies have not been reported for this variant. This variant has not been reported in individuals affected with TSC1-related disorders in the literature. This variant has not been identified in the general population by the Genome Aggregation Database (gnomAD). The available evidence is insufficient to determine the role of this variant in disease conclusively. Therefore, this variant is classified as a Variant of Uncertain Significance.

Ambry Genetics
Classification: Uncertain significance for Hereditary cancer-predisposing syndrome. Last evaluated: 2022-06-28. Review status: criteria provided, single submitter. Criteria: Ambry Variant Classification Scheme 2023. Collection method: clinical testing. Allele origin: germline.
Comment: The p.K952E variant (also known as c.2854A>G), located in coding exon 20 of the TSC1 gene, results from an A to G substitution at nucleotide position 2854. The lysine at codon 952 is replaced by glutamic acid, an amino acid with similar properties. This amino acid position is conserved. In addition, the in silico prediction for this alteration is inconclusive. Since supporting evidence is limited at this time, the clinical significance of this alteration remains unclear.